The following is an entry in ClinVar:

ClinVar aggregate classification (germline): Uncertain significance. Review status: criteria provided, multiple submitters, no conflicts (2 of 4 stars). 8 submissions from 8 submitters: Uncertain significance (8). Last evaluated 2025-02-20.

Conditions:
RARS1-related disorder. Also called: RARS1-related condition.
Inborn genetic diseases. Identifiers: MedGen C0950123, MeSH D030342.
Leukodystrophy, hypomyelinating, 9. Identifiers: Orphanet 438114, MedGen C4015323, MONDO:0014506, OMIM 616140.

Allele frequency attached by ClinVar (database versions not stated): gnomAD 0.00003; TOPMed 0.00003; gnomAD exomes 0.00005 and 0.00007; ExAC 0.00008; ESP Exome Variant Server 0.00008; 1000 Genomes Project 30x 0.00016.
gnomAD v4.1: 85 of 1,614,128 alleles (0.0053%); highest among the groups gnomAD compares: Middle Eastern, 0.18%; 1 homozygote.

Submissions (8):

GeneDx
Classification: Uncertain significance. Last evaluated: 2025-02-20. Review status: criteria provided, single submitter. Criteria: GeneDx Variant Classification Process June 2021. Collection method: clinical testing. Allele origin: germline. Affected: yes.
Comment: In silico analysis supports that this missense variant has a deleterious effect on protein structure/function; Has not been previously published as pathogenic or benign to our knowledge

PreventionGenetics, part of Exact Sciences
Classification: Uncertain significance for RARS1-related condition. Last evaluated: 2024-12-13. Review status: criteria provided, single submitter. Criteria: ACMG Guidelines, 2015. Collection method: clinical testing. Allele origin: germline.
Comment: The RARS1 c.1912T>A variant is predicted to result in the amino acid substitution p.Cys638Ser. To our knowledge, this variant has not been reported in the literature. This variant is reported in 0.020% of alleles in individuals of South Asian descent in gnomAD. At this time, the clinical significance of this variant is uncertain due to the absence of conclusive functional and genetic evidence.

Revvity Omics, Revvity
Classification: Uncertain significance for Leukodystrophy, hypomyelinating, 9. Last evaluated: 2024-11-25. Review status: criteria provided, single submitter. Criteria: ACMG Guidelines, 2015. Collection method: clinical testing. Allele origin: germline.

Blueprint Genetics
Classification: Uncertain significance. Last evaluated: 2024-03-15. Review status: criteria provided, single submitter. Criteria: ACMG Guidelines, 2015. Collection method: clinical testing. Allele origin: germline.

3billion
Classification: Uncertain significance for Leukodystrophy, hypomyelinating, 9. Last evaluated: 2023-07-31. Review status: criteria provided, single submitter. Criteria: ACMG Guidelines, 2015. Collection method: clinical testing. Allele origin: germline. Affected: yes.
Comment: The variant is observed at an extremely low frequency in the gnomAD v2.1.1 dataset (total allele frequency: 0.007%). Predicted Consequence/Location: Missense variant In silico tool predictions suggest damaging effect of the variant on gene or gene product (REVEL: 0.64; 3Cnet: 0.97). Therefore, this variant is classified as uncertain significance according to the recommendation of ACMG/AMP guideline.

Labcorp Genetics (formerly Invitae), Labcorp
Classification: Uncertain significance. Last evaluated: 2021-10-25. Review status: criteria provided, single submitter. Criteria: Invitae Variant Classification Sherloc (09022015). Collection method: clinical testing. Allele origin: germline.
Comment: Algorithms developed to predict the effect of missense changes on protein structure and function are either unavailable or do not agree on the potential impact of this missense change (SIFT: "Tolerated"; PolyPhen-2: "Probably Damaging"; Align-GVGD: "Class C0"). This sequence change replaces cysteine with serine at codon 638 of the RARS protein (p.Cys638Ser). The cysteine residue is highly conserved and there is a moderate physicochemical difference between cysteine and serine. This variant is present in population databases (rs138664961, ExAC 0.01%). This variant has not been reported in the literature in individuals affected with RARS-related conditions. In summary, the available evidence is currently insufficient to determine the role of this variant in disease. Therefore, it has been classified as a Variant of Uncertain Significance.

Ambry Genetics
Classification: Uncertain significance for Inborn genetic diseases. Last evaluated: 2021-08-30. Review status: criteria provided, single submitter. Criteria: Ambry Variant Classification Scheme 2023. Collection method: clinical testing. Allele origin: germline.

Breakthrough Genomics
Classification: Uncertain significance. Review status: criteria provided, single submitter. Criteria: ACMG Guidelines, 2015. Collection method: not provided. Allele origin: germline. Inheritance: Autosomal recessive inheritance. Affected: yes.

NM_002887.4(RARS1):c.1912T>A (p.Cys638Ser)

Gene: RARS1 (arginyl-tRNA synthetase 1; plus strand). Cytogenetic location: 5q34.
Variant type: single nucleotide variant.
Coding change: c.1912T>A on transcript NM_002887.4 (MANE Select); coding-DNA position 1912, T replaced by A.
Protein change: p.Cys638Ser; replaces cysteine 638 with serine.
Molecular consequence: missense variant.
Genome position (GRCh38, 1-based): chr5:168,519,119, T>A. VCF-style: chr5-168519119-T-A. GRCh37 (hg19) VCF-style: chr5-167946124-T-A.
Other names: c.1912T>A (NM_002887.3); short protein forms C638S.
Identifiers: ClinVar variation 1680449 (VCV001680449.13), dbSNP rs138664961, ClinGen allele CA3550074.